The following is an entry in ClinVar:

NM_017780.4(CHD7):c.5316G>T (p.Trp1772Cys)

Gene: CHD7 (chromodomain helicase DNA binding protein 7; plus strand). Cytogenetic location: 8q12.2.
Variant type: single nucleotide variant.
Coding change: c.5316G>T on transcript NM_017780.4 (MANE Select); coding-DNA position 5316, G replaced by T.
Protein change: p.Trp1772Cys; replaces tryptophan 1772 with cysteine.
Molecular consequence: missense variant. On other transcripts: intron variant (1).
Genome position (GRCh38, 1-based): chr8:60,849,066, G>T. VCF-style: chr8-60849066-G-T. GRCh37 (hg19) VCF-style: chr8-61761625-G-T.
Other names: c.1717-13163G>T (NM_001316690.1); short protein forms W1772C.
Identifiers: ClinVar variation 3359725 (VCV003359725.1).

ClinVar aggregate classification (germline): Uncertain significance (1 of 4 stars; one submission).

gnomAD v4.1: 6 of 1,613,242 alleles (0.00037%); highest among the groups gnomAD compares: South Asian, 0.0066%; no homozygotes.

Submission:

GeneDx
Classification: Uncertain significance. Last evaluated: 2023-06-21. Review status: criteria provided, single submitter. Criteria: GeneDx Variant Classification Process June 2021. Collection method: clinical testing. Allele origin: germline. Affected: yes.
Comment: Not observed at significant frequency in large population cohorts (gnomAD); In silico analysis supports that this missense variant has a deleterious effect on protein structure/function; Has not been previously published as pathogenic or benign to our knowledge